The following is an entry in ClinVar:

NM_000371.4(TTR):c.70-19G>A

Gene: TTR (transthyretin; plus strand). Cytogenetic location: 18q12.1.
Variant type: single nucleotide variant.
Coding change: c.70-19G>A on transcript NM_000371.4 (MANE Select); 19 bases into the intron before coding-DNA position 70, G replaced by A.
Molecular consequence: intron variant.
Genome position (GRCh38, 1-based): chr18:31,592,877, G>A. VCF-style: chr18-31592877-G-A. GRCh37 (hg19) VCF-style: chr18-29172840-G-A.
Identifiers: ClinVar variation 389548 (VCV000389548.12), dbSNP rs548935944, ClinGen allele CA8928399.

ClinVar aggregate classification (germline): Likely benign. Review status: criteria provided, multiple submitters, no conflicts (2 of 4 stars). 5 submissions from 5 submitters: Likely benign (5). Last evaluated 2026-01-06.

Conditions:
Amyloidosis, hereditary systemic 1 (AMYLD1). Also called: Transthyretin Amyloidosis; Hereditary oculoleptomeningeal amyloid angiopathy; Familial Transthyretin Amyloidosis; Isolated Cardiac Amyloidosis; Amyloid Cardiomyopathy, Transthyretin-related; Hereditary Transthyretin Amyloidosis. Identifiers: Orphanet 85447, Orphanet 85451, MedGen C2751492, MONDO:0971004, OMIM 105210.
Carpal tunnel syndrome 1 (CTS1). Also called: Carpal tunnel syndrome, familial. Identifiers: MedGen C5779776, MONDO:0020730, OMIM 115430.
Hyperthyroxinemia, dystransthyretinemic. Also called: HYPERTHYROXINEMIA, DYSPREALBUMINEMIC; EUTHRYROIDAL HYPERTHYROXINEMIA 2. Identifiers: MedGen C2750824, MONDO:0007785, OMIM 145680.
Charcot-Marie-Tooth disease. Also called: Charcot-Marie-Tooth Neuropathy; Charcot-Marie-Tooth Hereditary Neuropathy. Identifiers: Orphanet 166, MedGen C0007959, MONDO:0015626.

Allele frequency attached by ClinVar (database versions not stated): TOPMed 0.00004; 1000 Genomes Project 30x 0.00016; 1000 Genomes Project 0.00020.
gnomAD v4.1: 35 of 1,613,104 alleles (0.0022%); highest among the groups gnomAD compares: African/African-American, 0.011%; 1 homozygote.

Submissions (5):

Labcorp Genetics (formerly Invitae), Labcorp
Classification: Likely benign for Amyloidosis, hereditary systemic 1. Last evaluated: 2026-01-06. Review status: criteria provided, single submitter. Criteria: Invitae Variant Classification Sherloc (09022015). Collection method: clinical testing. Allele origin: germline.

Blueprint Genetics
Classification: Likely benign. Last evaluated: 2024-10-08. Review status: criteria provided, single submitter. Criteria: ACMG Guidelines, 2015. Collection method: clinical testing. Allele origin: germline.

Fulgent Genetics
Classification: Likely benign for Amyloidosis, hereditary systemic 1; Carpal tunnel syndrome 1; Hyperthyroxinemia, dystransthyretinemic. Last evaluated: 2022-03-25. Review status: criteria provided, single submitter. Criteria: ACMG Guidelines, 2015. Collection method: clinical testing. Allele origin: unknown.

GeneDx
Classification: Likely benign. Last evaluated: 2016-09-22. Review status: criteria provided, single submitter. Criteria: GeneDx Variant Classification (06012015). Collection method: clinical testing. Allele origin: germline. Affected: yes.
Comment: This variant is considered likely benign or benign based on one or more of the following criteria: it is a conservative change, it occurs at a poorly conserved position in the protein, it is predicted to be benign by multiple in silico algorithms, and/or has population frequency not consistent with disease.

Molecular Genetics Laboratory, London Health Sciences Centre
Classification: Likely benign for Charcot-Marie-Tooth disease. Review status: criteria provided, single submitter. Criteria: ACMG Guidelines, 2015. Collection method: clinical testing. Allele origin: germline. Affected: yes.